The following is an entry in ClinVar:

NM_006015.6(ARID1A):c.6710C>T (p.Ala2237Val)

Gene: ARID1A (AT-rich interaction domain 1A; plus strand). Cytogenetic location: 1p36.11.
Variant type: single nucleotide variant.
Coding change: c.6710C>T on transcript NM_006015.6 (MANE Select); coding-DNA position 6710, C replaced by T.
Protein change: p.Ala2237Val; replaces alanine 2237 with valine.
Molecular consequence: missense variant.
Genome position (GRCh38, 1-based): chr1:26,780,608, C>T. VCF-style: chr1-26780608-C-T. GRCh37 (hg19) VCF-style: chr1-27107099-C-T.
Other names: c.6059C>T, p.Ala2020Val (NM_139135.4); short protein forms A2020V, A2237V.
Identifiers: ClinVar variation 3257912 (VCV003257912.4).

ClinVar aggregate classification (germline): Uncertain significance (1 of 4 stars; one submission).
ClinVar aggregate classification (oncogenicity): Uncertain significance (1 of 4 stars; one submission).

Conditions:
Neoplasm. Also called: tumor; Neoplasms; Neoplasm (disease). Identifiers: MedGen C0027651, MeSH D009369, MONDO:0005070, HP:0002664.

Submissions (2):

Center for Genomic Medicine, Rigshospitalet, Copenhagen University Hospital
Classification: Uncertain significance for Neoplasm. Last evaluated: 2025-03-04. Review status: criteria provided, single submitter. Criteria: ClinGen/CGC/VICC Guidelines for Oncogenicity, 2022. Collection method: clinical testing. Allele origin: somatic. Affected: yes.

Labcorp Genetics (formerly Invitae), Labcorp
Classification: Uncertain significance. Last evaluated: 2024-06-21. Review status: criteria provided, single submitter. Criteria: Invitae Variant Classification Sherloc (09022015). Collection method: clinical testing. Allele origin: germline.
Comment: This sequence change replaces alanine, which is neutral and non-polar, with valine, which is neutral and non-polar, at codon 2237 of the ARID1A protein (p.Ala2237Val). This variant is present in population databases (rs758918502, gnomAD 0.0009%). This variant has not been reported in the literature in individuals affected with ARID1A-related conditions. Advanced modeling of protein sequence and biophysical properties (such as structural, functional, and spatial information, amino acid conservation, physicochemical variation, residue mobility, and thermodynamic stability) performed at Invitae indicates that this missense variant is expected to disrupt ARID1A protein function with a positive predictive value of 80%. In summary, the available evidence is currently insufficient to determine the role of this variant in disease. Therefore, it has been classified as a Variant of Uncertain Significance.